The following is an entry in ClinVar:

ClinVar aggregate classification (germline): Uncertain significance (1 of 4 stars; one submission).

Submission:

Labcorp Genetics (formerly Invitae), Labcorp
Classification: Uncertain significance. Last evaluated: 2022-11-01. Review status: criteria provided, single submitter. Criteria: Invitae Variant Classification Sherloc (09022015). Collection method: clinical testing. Allele origin: germline.
Comment: This sequence change replaces alanine, which is neutral and non-polar, with valine, which is neutral and non-polar, at codon 382 of the KIF22 protein (p.Ala382Val). This variant is not present in population databases (gnomAD no frequency). This variant has not been reported in the literature in individuals affected with KIF22-related conditions. ClinVar contains an entry for this variant (Variation ID: 1349756). Algorithms developed to predict the effect of missense changes on protein structure and function output the following: SIFT: "Tolerated"; PolyPhen-2: "Benign"; Align-GVGD: "Class C0". The valine amino acid residue is found in multiple mammalian species, which suggests that this missense change does not adversely affect protein function. In summary, the available evidence is currently insufficient to determine the role of this variant in disease. Therefore, it has been classified as a Variant of Uncertain Significance.

NM_007317.3(KIF22):c.1145C>T (p.Ala382Val)

Gene: KIF22 (kinesin family member 22; plus strand). Cytogenetic location: 16p11.2.
Variant type: single nucleotide variant.
Coding change: c.1145C>T on transcript NM_007317.3 (MANE Select); coding-DNA position 1145, C replaced by T.
Protein change: p.Ala382Val; replaces alanine 382 with valine.
Molecular consequence: missense variant.
Genome position (GRCh38, 1-based): chr16:29,799,913, C>T. VCF-style: chr16-29799913-C-T. GRCh37 (hg19) VCF-style: chr16-29811234-C-T.
Other names: c.941C>T, p.Ala314Val (NM_001256269.2, NM_001256270.1); short protein forms A314V, A382V.
Identifiers: ClinVar variation 1349756 (VCV001349756.8), dbSNP rs2142374526, ClinGen allele CA395454791.